The following is an entry in ClinVar:

ClinVar aggregate classification (germline): Benign/Likely benign. Review status: criteria provided, multiple submitters, no conflicts (2 of 4 stars). 4 submissions from 4 submitters: Benign (1); Likely benign (3). Last evaluated 2025-06-02.

Conditions:
Hereditary cancer-predisposing syndrome. Also called: Hereditary Cancer Syndrome; Tumor predisposition; Hereditary neoplastic syndrome; Neoplastic Syndromes, Hereditary. Identifiers: Orphanet 140162, MedGen C0027672, MeSH D009386, MONDO:0015356.
Familial adenomatous polyposis 1 (FAP1). Also called: FAMILIAL ADENOMATOUS POLYPOSIS 1, ATTENUATED; POLYPOSIS, ADENOMATOUS INTESTINAL. Identifiers: MedGen C2713442, MONDO:0021056, OMIM 175100. Disease mechanism: loss of function.

Allele frequency attached by ClinVar (database versions not stated): gnomAD exomes below 0.00001.
gnomAD v4.1: 2 of 1,613,444 alleles (0.00012%); highest among the groups gnomAD compares: South Asian, 0.0022%; no homozygotes.

Submissions (4):

Labcorp Genetics (formerly Invitae), Labcorp
Classification: Likely benign for Familial adenomatous polyposis 1. Last evaluated: 2025-06-02. Review status: criteria provided, single submitter. Criteria: Invitae Variant Classification Sherloc (09022015). Collection method: clinical testing. Allele origin: germline.

Center for Genomic Medicine, Rigshospitalet, Copenhagen University Hospital
Classification: Likely benign. Last evaluated: 2025-03-04. Review status: criteria provided, single submitter. Criteria: ACMG Guidelines, 2015. Collection method: clinical testing. Allele origin: germline.

Myriad Genetics, Inc.
Classification: Benign for Familial adenomatous polyposis 1. Last evaluated: 2024-04-04. Review status: criteria provided, single submitter. Criteria: Myriad Autosomal Dominant, Autosomal Recessive and X-Linked Classification Criteria (2023). Collection method: clinical testing. Allele origin: unknown.
Comment: This variant is considered benign. This variant is a silent/synonymous amino acid change and it is not expected to impact splicing.

Ambry Genetics
Classification: Likely benign for Hereditary cancer-predisposing syndrome. Last evaluated: 2023-09-16. Review status: criteria provided, single submitter. Criteria: Ambry Variant Classification Scheme 2023. Collection method: clinical testing. Allele origin: germline.

NM_000038.6(APC):c.6441A>G (p.Pro2147=)

Gene: APC (APC regulator of Wnt signaling pathway; plus strand). Cytogenetic location: 5q22.2.
Variant type: single nucleotide variant.
Coding change: c.6441A>G on transcript NM_000038.6 (MANE Select); coding-DNA position 6441, A replaced by G.
Protein change: p.Pro2147=; no amino-acid change (proline 2147 retained).
Molecular consequence: synonymous variant. On other transcripts: non-coding transcript variant (2).
Genome position (GRCh38, 1-based): chr5:112,842,035, A>G. VCF-style: chr5-112842035-A-G. GRCh37 (hg19) VCF-style: chr5-112177732-A-G.
Other names: c.6441A>G, p.Pro2147= (NM_001127510.3, NM_001354895.2, NM_001407450.1); c.6387A>G, p.Pro2129= (NM_001127511.3); c.6495A>G, p.Pro2165= (NM_001354896.2, NM_001407447.1, NM_001407448.1 and 1 more transcripts); c.6471A>G, p.Pro2157= (NM_001354897.2); c.6366A>G, p.Pro2122= (NM_001354898.2); c.6357A>G, p.Pro2119= (NM_001354899.2); c.6318A>G, p.Pro2106= (NM_001354900.2); c.6264A>G, p.Pro2088= (NM_001354901.2, NM_001407453.1); and 12 more.
Identifiers: ClinVar variation 2186451 (VCV002186451.8), dbSNP rs1321804619, ClinGen allele CA446210503.